The following is an entry in ClinVar:

ClinVar aggregate classification (germline): Likely benign. Review status: criteria provided, multiple submitters, no conflicts (2 of 4 stars). 3 submissions from 3 submitters: Likely benign (2). 1 of the submissions does not count toward it. Last evaluated 2026-01-13.

Conditions:
JAK2-related disorder. Also called: JAK2-related condition.

Allele frequency attached by ClinVar (database versions not stated): gnomAD exomes 0.00009 and 0.00023; ExAC 0.00029; 1000 Genomes Project 0.00040; 1000 Genomes Project 30x 0.00047; ESP Exome Variant Server 0.00100; gnomAD 0.00111 and 0.00122; TOPMed 0.00142.
gnomAD v4.1: 307 of 1,613,452 alleles (0.019%); highest among the groups gnomAD compares: African/African-American, 0.33%; no homozygotes.

Submissions (3):

Labcorp Genetics (formerly Invitae), Labcorp
Classification: Likely benign. Last evaluated: 2026-01-13. Review status: criteria provided, single submitter. Criteria: Invitae Variant Classification Sherloc (09022015). Collection method: clinical testing. Allele origin: germline.

Breakthrough Genomics
Classification: Likely benign. Review status: criteria provided, single submitter. Criteria: ACMG Guidelines, 2015. Collection method: not provided. Allele origin: germline. Inheritance: Autosomal dominant inheritance. Affected: yes.

PreventionGenetics, part of Exact Sciences
Classification: Likely benign for JAK2-related condition. Last evaluated: 2022-01-04. Review status: no assertion criteria provided. Collection method: clinical testing. Allele origin: germline. Not counted in ClinVar's aggregate classification.
Comment: This variant is classified as likely benign based on ACMG/AMP sequence variant interpretation guidelines (Richards et al. 2015 PMID: 25741868, with internal and published modifications).

NM_004972.4(JAK2):c.731A>G (p.Lys244Arg)

Genes: INSL6 (insulin like 6; minus strand), JAK2 (Janus kinase 2; plus strand). Cytogenetic location: 9p24.1.
Variant type: single nucleotide variant.
Coding change: c.731A>G on transcript NM_004972.4 (MANE Select); coding-DNA position 731, A replaced by G.
Protein change: p.Lys244Arg; replaces lysine 244 with arginine.
Molecular consequence: missense variant. On other transcripts: 5 prime UTR variant (2), non-coding transcript variant (2).
Genome position (GRCh38, 1-based): chr9:5,054,679, A>G. VCF-style: chr9-5054679-A-G. GRCh37 (hg19) VCF-style: chr9-5054679-A-G.
Other names: c.731A>G, p.Lys244Arg (NM_001322194.2, NM_001322195.2, NM_001322196.2); c.-390A>G (NM_001322198.2, NM_001322199.2); c.284A>G, p.Lys95Arg (NM_001322204.2); short protein forms K244R, K95R.
Identifiers: ClinVar variation 724741 (VCV000724741.12), dbSNP rs62637625, ClinGen allele CA4971657.
Genomic context (GRCh38, chr9:5,054,679, plus strand): 5'-TGACAAGGAAGCGAATAAGGTACAGATTTCGCAGATTTATTCAGCAATTCAGCCAATGCA[A>G]AGCCACTGCCAGAAACTTGAAACTTAAGTATCTTATAAATCTGGAAACTCTGCAGTCTGC-3'
Protein context (NP_004963.1, residues 234-254): RRFIQQFSQC[Lys244Arg]ATARNLKLKY